The following is an entry in ClinVar:

NM_001252024.2(TRPM1):c.3540C>G (p.Phe1180Leu)

Genes: TRPM1 (transient receptor potential cation channel subfamily M member 1; minus strand), TRPM1-AS1 (TRPM1 antisense RNA 1; plus strand), LOC126862088 (BRD4-independent group 4 enhancer GRCh37_chr15:31318084-31319283; plus strand). Cytogenetic location: 15q13.3.
Variant type: single nucleotide variant.
Coding change: c.3540C>G on transcript NM_001252024.2 (MANE Select); coding-DNA position 3540, C replaced by G.
Protein change: p.Phe1180Leu; replaces phenylalanine 1180 with leucine.
Molecular consequence: missense variant.
Genome position (GRCh38, 1-based): chr15:31,026,228, G>C on the plus strand (C>G on the coding strand, the complement: TRPM1 is on the minus strand). VCF-style: chr15-31026228-G-C. GRCh37 (hg19) VCF-style: chr15-31318431-G-C.
Other names: c.3591C>G, p.Phe1197Leu (NM_001252020.2); c.3474C>G, p.Phe1158Leu (NM_002420.6); short protein forms F1180L, F1158L, F1197L.
Identifiers: ClinVar variation 1046063 (VCV001046063.9), dbSNP rs2032741633, ClinGen allele CA391540389.

ClinVar aggregate classification (germline): Uncertain significance (1 of 4 stars; one submission).

Submission:

Labcorp Genetics (formerly Invitae), Labcorp
Classification: Uncertain significance. Last evaluated: 2022-08-09. Review status: criteria provided, single submitter. Criteria: Invitae Variant Classification Sherloc (09022015). Collection method: clinical testing. Allele origin: germline.
Comment: In summary, the available evidence is currently insufficient to determine the role of this variant in disease. Therefore, it has been classified as a Variant of Uncertain Significance. Algorithms developed to predict the effect of missense changes on protein structure and function are either unavailable or do not agree on the potential impact of this missense change (SIFT: "Deleterious"; PolyPhen-2: "Probably Damaging"; Align-GVGD: "Class C15"). ClinVar contains an entry for this variant (Variation ID: 1046063). This variant has not been reported in the literature in individuals affected with TRPM1-related conditions. This variant is not present in population databases (gnomAD no frequency). This sequence change replaces phenylalanine, which is neutral and non-polar, with leucine, which is neutral and non-polar, at codon 1158 of the TRPM1 protein (p.Phe1158Leu).